The following is an entry in ClinVar:

NM_002641.4(PIGA):c.716-4del

Gene: PIGA (phosphatidylinositol glycan anchor biosynthesis class A; minus strand). Cytogenetic location: Xp22.2.
Variant type: Deletion.
Coding change: c.716-4del on transcript NM_002641.4 (MANE Select); 4 bases into the intron before coding-DNA position 716, one base deleted (T; older notation c.716-4delT).
Molecular consequence: intron variant.
Genome position (GRCh38, 1-based): chrX:15,326,050, A deleted on the plus strand (T on the coding strand, the reverse complement: PIGA is on the minus strand); the first of 4 consecutive A bases (chrX:15,326,050-15,326,053); deleting any one gives the same sequence. VCF-style (leftmost placement, unchanged base first): chrX-15326049-GA-G. GRCh37 (hg19) VCF-style: chrX-15344171-GA-G.
Other names: c.14-4del (NM_020473.3).
Identifiers: ClinVar variation 1205594 (VCV001205594.3), dbSNP rs2147718560, ClinGen allele CA2499226428.
Genomic context (GRCh38, chrX:15,326,049, plus strand): 5'-TTTAAATCTGGATATTTCTGACAGAGTTCAGGTATTATACCACTAAGCAAATCGATCCCT[GA>G]AAATATAAAGTTGAATGTTGGAGATATTAATATTTAAACTTAAAAAAATTCACCAGAACG-3'

ClinVar aggregate classification (germline): Likely benign (1 of 4 stars; one submission).

Submission:

GeneDx
Classification: Likely benign. Last evaluated: 2018-07-06. Review status: criteria provided, single submitter. Criteria: GeneDx Variant Classification Process June 2021. Collection method: clinical testing. Allele origin: germline. Affected: yes.
Comment: Not observed in large population cohorts (Lek et al., 2016)